The following is an entry in ClinVar:

ClinVar aggregate classification (germline): Uncertain significance (1 of 4 stars; one submission).

Conditions:
Developmental delay with autism spectrum disorder and gait instability (MRT38). Also called: Intellectual developmental disorder, autosomal recessive 38. Identifiers: Orphanet 329195, MedGen C3809753, MONDO:0014224, OMIM 615516.

Submission:

Broad Center for Mendelian Genomics, Broad Institute of MIT and Harvard
Classification: Uncertain significance for Developmental delay with autism spectrum disorder and gait instability. Last evaluated: 2026-08-12. Review status: criteria provided, single submitter. Criteria: ACMG Guidelines, 2015. Collection method: research. Allele origin: germline. Inheritance: Autosomal recessive inheritance. Study: GREGoR Consortium.
Comment: Trio genome analysis revealed that this variant was in trans with the VUS. The p.Val4251= variant in HERC2 has not been previously reported in the literature in individuals with similar symptoms, and was absent from large population studies. Computational prediction tools and conservation analyses suggest that this variant may impact the protein, though this information is not predictive enough to determine pathogenicity. In summary, the clinical significance of the p.Val4251= variant is uncertain. ACMG/AMP Criteria applied: PP3, PM2_supporting (Richards 2015).

NM_004667.6(HERC2):c.12753C>A (p.Val4251=)

Gene: HERC2 (HECT and RLD domain containing E3 ubiquitin protein ligase 2; minus strand). Cytogenetic location: 15q13.1.
Variant type: single nucleotide variant.
Coding change: c.12753C>A on transcript NM_004667.6 (MANE Select); coding-DNA position 12753, C replaced by A.
Protein change: p.Val4251=; no amino-acid change (valine 4251 retained).
Molecular consequence: synonymous variant.
Genome position (GRCh38, 1-based): chr15:28,130,212, G>T on the plus strand (C>A on the coding strand, the complement: HERC2 is on the minus strand). VCF-style: chr15-28130212-G-T. GRCh37 (hg19) VCF-style: chr15-28375358-G-T.
Other names: NM_004667.6:c.12753C>A.
Identifiers: ClinVar variation 4974506 (VCV004974506.1).